The following is an entry in ClinVar:

NM_004370.6(COL12A1):c.4981T>G (p.Leu1661Val)

Gene: COL12A1 (collagen type XII alpha 1 chain; minus strand). Cytogenetic location: 6q13.
Variant type: single nucleotide variant.
Coding change: c.4981T>G on transcript NM_004370.6 (MANE Select); coding-DNA position 4981, T replaced by G.
Protein change: p.Leu1661Val; replaces leucine 1661 with valine.
Molecular consequence: missense variant.
Genome position (GRCh38, 1-based): chr6:75,138,938, A>C on the plus strand (T>G on the coding strand, the complement: COL12A1 is on the minus strand). VCF-style: chr6-75138938-A-C. GRCh37 (hg19) VCF-style: chr6-75848654-A-C.
Other names: c.4981T>G, p.Leu1661Val (NM_001424113.1, NM_001424114.1); c.4708T>G, p.Leu1570Val (NM_001424115.1); c.1489T>G, p.Leu497Val (NM_001424116.1, NM_080645.3); short protein forms L497V, L1570V, L1661V.
Identifiers: ClinVar variation 4791538 (VCV004791538.1).

ClinVar aggregate classification (germline): Uncertain significance (1 of 4 stars; one submission).

Conditions:
Bethlem myopathy 2 (BTHLM2). Identifiers: Orphanet 536516, Orphanet 610, MedGen C4225313, MONDO:0034022, OMIM 616471.
Ullrich congenital muscular dystrophy 2 (UCMD2). Identifiers: Orphanet 75840, MedGen C4225314, MONDO:0014654, OMIM 616470.

gnomAD v4.1: 1 of 1,614,066 alleles (0.000062%); highest among the groups gnomAD compares: Non-Finnish European, 0.000085%; no homozygotes.

Submission:

Labcorp Genetics (formerly Invitae), Labcorp
Classification: Uncertain significance for Bethlem myopathy 2; Ullrich congenital muscular dystrophy 2. Last evaluated: 2025-07-20. Review status: criteria provided, single submitter. Criteria: Invitae Variant Classification Sherloc (09022015). Collection method: clinical testing. Allele origin: germline.
Comment: This sequence change replaces leucine, which is neutral and non-polar, with valine, which is neutral and non-polar, at codon 1661 of the COL12A1 protein (p.Leu1661Val). This variant is not present in population databases (gnomAD no frequency). This variant has not been reported in the literature in individuals affected with COL12A1-related conditions. Invitae Evidence Modeling of protein sequence and biophysical properties (such as structural, functional, and spatial information, amino acid conservation, physicochemical variation, residue mobility, and thermodynamic stability) has been performed for this missense variant. However, the output from this modeling did not meet the statistical confidence thresholds required to predict the impact of this variant on COL12A1 protein function. In summary, the available evidence is currently insufficient to determine the role of this variant in disease. Therefore, it has been classified as a Variant of Uncertain Significance.